The following is an entry in ClinVar:

NM_000545.8(HNF1A):c.1605C>A (p.Ser535Arg)

Gene: HNF1A (HNF1 homeobox A; plus strand). Cytogenetic location: 12q24.31.
Variant type: single nucleotide variant.
Coding change: c.1605C>A on transcript NM_000545.8 (MANE Select); coding-DNA position 1605, C replaced by A.
Protein change: p.Ser535Arg; replaces serine 535 with arginine.
Molecular consequence: missense variant.
Genome position (GRCh38, 1-based): chr12:120,999,371, C>A. VCF-style: chr12-120999371-C-A. GRCh37 (hg19) VCF-style: chr12-121437174-C-A.
Other names: c.1605C>A, p.Ser535Arg (NM_001306179.2); short protein forms S535R.
Identifiers: ClinVar variation 1501264 (VCV001501264.6), dbSNP rs758034834, ClinGen allele CA6832120.

ClinVar aggregate classification (germline): Uncertain significance (1 of 4 stars; one submission).

Allele frequency attached by ClinVar (database versions not stated): ExAC 0.00001.
gnomAD v4.1: 2 of 1,614,056 alleles (0.00012%); highest among the groups gnomAD compares: South Asian, 0.0022%; no homozygotes.

Submission:

Labcorp Genetics (formerly Invitae), Labcorp
Classification: Uncertain significance. Last evaluated: 2023-10-03. Review status: criteria provided, single submitter. Criteria: Invitae Variant Classification Sherloc (09022015). Collection method: clinical testing. Allele origin: germline.
Comment: This sequence change replaces serine, which is neutral and polar, with arginine, which is basic and polar, at codon 535 of the HNF1A protein (p.Ser535Arg). This variant is not present in population databases (gnomAD no frequency). This variant has not been reported in the literature in individuals affected with HNF1A-related conditions. ClinVar contains an entry for this variant (Variation ID: 1501264). Advanced modeling of protein sequence and biophysical properties (such as structural, functional, and spatial information, amino acid conservation, physicochemical variation, residue mobility, and thermodynamic stability) performed at Invitae indicates that this missense variant is not expected to disrupt HNF1A protein function. Experimental studies have shown that this missense change affects HNF1A function (PMID: 32910913). In summary, the available evidence is currently insufficient to determine the role of this variant in disease. Therefore, it has been classified as a Variant of Uncertain Significance.

Literature cited by the submitters: PubMed 32910913.